The following is an entry in ClinVar:

ClinVar aggregate classification (germline): Benign/Likely benign. Review status: criteria provided, multiple submitters, no conflicts (2 of 4 stars). 4 submissions from 4 submitters: Benign (2); Likely benign (1). 1 of the submissions does not count toward it. Last evaluated 2023-03-28.

Conditions:
SZT2-related disorder. Also called: SZT2-related condition.

Allele frequency attached by ClinVar (database versions not stated): 1000 Genomes Project 0.21965; 1000 Genomes Project 30x 0.22205; TOPMed 0.33092; gnomAD 0.33130 and 0.33898; gnomAD exomes 0.38544.
gnomAD v4.1: 601,746 of 1,585,340 alleles (38%); highest among the groups gnomAD compares: Non-Finnish European, 42%; 120,605 homozygotes.

Submissions (4):

Blueprint Genetics
Classification: Likely benign. Last evaluated: 2023-03-28. Review status: criteria provided, single submitter. Criteria: ACMG Guidelines, 2015. Collection method: clinical testing. Allele origin: germline.

GeneDx
Classification: Benign. Last evaluated: 2018-07-15. Review status: criteria provided, single submitter. Criteria: GeneDx Variant Classification Process June 2021. Collection method: clinical testing. Allele origin: germline. Affected: yes.

Breakthrough Genomics
Classification: Benign. Review status: criteria provided, single submitter. Criteria: ACMG Guidelines, 2015. Collection method: not provided. Allele origin: germline. Inheritance: Autosomal recessive inheritance. Affected: yes.

PreventionGenetics, part of Exact Sciences
Classification: Benign for SZT2-related condition. Last evaluated: 2019-02-26. Review status: no assertion criteria provided. Collection method: clinical testing. Allele origin: germline. Not counted in ClinVar's aggregate classification.
Comment: This variant is classified as benign based on ACMG/AMP sequence variant interpretation guidelines (Richards et al. 2015 PMID: 25741868, with internal and published modifications).

NM_001365999.1(SZT2):c.3194G>A (p.Arg1065Gln)

Gene: SZT2 (SZT2 subunit of KICSTOR complex; plus strand). Cytogenetic location: 1p34.2.
Variant type: single nucleotide variant.
Coding change: c.3194G>A on transcript NM_001365999.1 (MANE Select); coding-DNA position 3194, G replaced by A.
Protein change: p.Arg1065Gln; replaces arginine 1065 with glutamine.
Molecular consequence: missense variant. On other transcripts: intron variant (1).
Genome position (GRCh38, 1-based): chr1:43,426,518, G>A. VCF-style: chr1-43426518-G-A. GRCh37 (hg19) VCF-style: chr1-43892189-G-A.
Other names: c.3044-197G>A (NM_015284.4); short protein forms R1065Q.
Identifiers: ClinVar variation 1243374 (VCV001243374.6), dbSNP rs2782646, ClinGen allele CA10670168.